The following is an entry in ClinVar:

NM_005359.6(SMAD4):c.425-3A>C

Gene: SMAD4 (SMAD family member 4; plus strand). Cytogenetic location: 18q21.2.
Variant type: single nucleotide variant.
Coding change: c.425-3A>C on transcript NM_005359.6 (MANE Select); 3 bases into the intron before coding-DNA position 425, A replaced by C.
Molecular consequence: intron variant.
Genome position (GRCh38, 1-based): chr18:51,049,292, A>C. VCF-style: chr18-51049292-A-C. GRCh37 (hg19) VCF-style: chr18-48575662-A-C.
Other names: c.425-3A>C (NM_001407042.1, NM_001407041.1, NM_001407043.1).
Identifiers: ClinVar variation 3904271 (VCV003904271.1).
Genomic context (GRCh38, chr18:51,049,292, plus strand): 5'-AATGGAAAATACTTTCATTGTAATGATTAATGTTTCATTTGTTTTCCCCTTTAAACAATT[A>C]AGATCTCTCAGGATTAACACTGCAGAGTAATGGTAGGTAATCTGTTTCTTACTACTTTCT-3'

ClinVar aggregate classification (germline): Likely benign (1 of 4 stars; one submission).

Conditions:
Juvenile polyposis/hereditary hemorrhagic telangiectasia syndrome (JPHT). Also called: JP/HHT SYNDROME; JUVENILE POLYPOSIS WITH HEREDITARY HEMORRHAGIC TELANGIECTASIA; POLYPOSIS, GENERALIZED JUVENILE, WITH PULMONARY ARTERIOVENOUS MALFORMATION; TELANGIECTASIA, HEREDITARY HEMORRHAGIC, WITH JUVENILE POLYPOSIS COLI; Juvenile Polyposis Syndrome / Hereditary Hemorrhagic Telangiectasia (JPS/HHT). Identifiers: Orphanet 2929, MedGen C1832942, MONDO:0008278, OMIM 175050.

Submission:

Myriad Genetics, Inc.
Classification: Likely benign for Juvenile polyposis/hereditary hemorrhagic telangiectasia syndrome. Last evaluated: 2025-03-19. Review status: criteria provided, single submitter. Criteria: Myriad Autosomal Dominant, Autosomal Recessive and X-Linked Classification Criteria (2023). Collection method: clinical testing. Allele origin: unknown.
Comment: This variant is considered likely benign. This variant is intronic and is not expected to impact mRNA splicing.